The following is an entry in ClinVar:

ClinVar aggregate classification (germline): Conflicting classifications of pathogenicity. Review status: criteria provided, conflicting classifications (1 of 4 stars). 4 submissions from 4 submitters: Uncertain significance (1); Likely benign (3). Last evaluated 2026-01-28.

Conditions:
Asphyxiating thoracic dystrophy 3. Also called: SHORT-RIB THORACIC DYSPLASIA 3 WITH OR WITHOUT POLYDACTYLY; POLYDACTYLY WITH NEONATAL CHONDRODYSTROPHY, TYPE I; SHORT-RIB THORACIC DYSPLASIA 3/6 WITH POLYDACTYLY, DIGENIC; Short rib polydactyly syndrome 2B; Saldino-Noonan Syndrome. Identifiers: Orphanet 474, Orphanet 93269, Orphanet 93270, Orphanet 93271, MedGen C0036069, MONDO:0013127, OMIM 613091.
Jeune thoracic dystrophy. Also called: Short-rib thoracic dysplasia; Jeune syndrome; Infantile thoracic dystrophy; Thoracic pelvic phalangeal dystrophy; Jeune's syndrome; Chondroectodermal dysplasia-like syndrome. Identifiers: Orphanet 474, MedGen C0265275, MONDO:0018770.

Allele frequency attached by ClinVar (database versions not stated): gnomAD exomes 0.00042 and 0.00048; ExAC 0.00048; gnomAD 0.00059; 1000 Genomes Project 0.00060; 1000 Genomes Project 30x 0.00062; TOPMed 0.00091.
gnomAD v4.1: 699 of 1,569,954 alleles (0.045%); highest among the groups gnomAD compares: Middle Eastern, 0.36%; 1 homozygote.

Submissions (4):

Labcorp Genetics (formerly Invitae), Labcorp
Classification: Likely benign for Jeune thoracic dystrophy. Last evaluated: 2026-01-28. Review status: criteria provided, single submitter. Criteria: Invitae Variant Classification Sherloc (09022015). Collection method: clinical testing. Allele origin: germline.

Blueprint Genetics
Classification: Likely benign. Last evaluated: 2024-11-27. Review status: criteria provided, single submitter. Criteria: ACMG Guidelines, 2015. Collection method: clinical testing. Allele origin: germline.

Illumina Laboratory Services, Illumina
Classification: Uncertain significance for Asphyxiating thoracic dystrophy 3. Last evaluated: 2018-01-12. Review status: criteria provided, single submitter. Criteria: ICSL Variant Classification Criteria 13 December 2019. Collection method: clinical testing. Allele origin: germline.

GeneDx
Classification: Likely benign. Last evaluated: 2017-02-23. Review status: criteria provided, single submitter. Criteria: GeneDx Variant Classification (06012015). Collection method: clinical testing. Allele origin: germline. Affected: yes.
Comment: This variant is considered likely benign or benign based on one or more of the following criteria: it is a conservative change, it occurs at a poorly conserved position in the protein, it is predicted to be benign by multiple in silico algorithms, and/or has population frequency not consistent with disease.

NM_001377.3(DYNC2H1):c.12039+15A>G

Gene: DYNC2H1 (dynein cytoplasmic 2 heavy chain 1; plus strand). Cytogenetic location: 11q22.3.
Variant type: single nucleotide variant.
Coding change: c.12039+15A>G on transcript NM_001377.3 (MANE Select); 15 bases into the intron after coding-DNA position 12039, A replaced by G.
Molecular consequence: intron variant.
Genome position (GRCh38, 1-based): chr11:103,324,005, A>G. VCF-style: chr11-103324005-A-G. GRCh37 (hg19) VCF-style: chr11-103194733-A-G.
Other names: c.12060+15A>G (NM_001080463.2).
Identifiers: ClinVar variation 507630 (VCV000507630.13), dbSNP rs184350782, ClinGen allele CA6255442.